The following is an entry in ClinVar:

ClinVar aggregate classification (germline): Uncertain significance (1 of 4 stars; one submission).

Allele frequency attached by ClinVar (database versions not stated): TOPMed below 0.00001.

Submission:

Ambry Genetics
Classification: Uncertain significance. Last evaluated: 2023-12-01. Review status: criteria provided, single submitter. Criteria: Ambry Variant Classification Scheme 2023. Collection method: clinical testing. Allele origin: germline.
Comment: The p.Q1493H variant (also known as c.4479A>C), located in coding exon 4 of the ALPK2 gene, results from an A to C substitution at nucleotide position 4479. The glutamine at codon 1493 is replaced by histidine, an amino acid with highly similar properties. This amino acid position is conserved. In addition, this alteration is predicted to be tolerated by in silico analysis. Since supporting evidence is limited at this time, the clinical significance of this alteration remains unclear.

NM_052947.4(ALPK2):c.4479A>C (p.Gln1493His)

Genes: ALPK2 (alpha kinase 2; minus strand), LOC126862764 (BRD4-independent group 4 enhancer GRCh37_chr18:56202574-56203773; plus strand). Cytogenetic location: 18q21.31.
Variant type: single nucleotide variant.
Coding change: c.4479A>C on transcript NM_052947.4 (MANE Select); coding-DNA position 4479, A replaced by C.
Protein change: p.Gln1493His; replaces glutamine 1493 with histidine.
Molecular consequence: missense variant.
Genome position (GRCh38, 1-based): chr18:58,535,708, T>G on the plus strand (A>C on the coding strand, the complement: ALPK2 is on the minus strand). VCF-style: chr18-58535708-T-G. GRCh37 (hg19) VCF-style: chr18-56202940-T-G.
Other names: short protein forms Q1493H.
Identifiers: ClinVar variation 3228745 (VCV003228745.1), dbSNP rs2051641669, ClinGen allele CA402562231.
Genomic context (GRCh38, chr18:58,535,708, plus strand): 5'-TATTTGGCCTATGCTACATCCACTTGGAATTCTTTCACCGCCTTCGCTGGGTTGCAGGAC[T>G]TGCCAAATGGCAGTTTTTGCCTCCTCAGGTTGAATTTGTTCAGCCTCCTGCTTCATACTG-3'
Protein context (NP_443179.3, residues 1483-1503): QPEEAKTAIW[Gln1493His]VLQPSEGGER